The following is an entry in ClinVar:

ClinVar aggregate classification (germline): Pathogenic (1 of 4 stars; one submission).

Conditions:
Hypogonadotropic hypogonadism 2 with or without anosmia (HH2). Also called: FGFR1-Related GnRH Deficiency (Kallmann Syndrome 2); HYPOGONADOTROPIC HYPOGONADISM 2 WITHOUT ANOSMIA; HYPOGONADOTROPIC HYPOGONADISM 2 WITH OR WITHOUT ANOSMIA, SUSCEPTIBILITY TO; HYPOGONADOTROPIC HYPOGONADISM 2 WITHOUT ANOSMIA, SUSCEPTIBILITY TO. Identifiers: Orphanet 478, MedGen C1563720, MONDO:0007844, OMIM 147950. Disease mechanism: loss of function.

Submission:

Reproductive Endocrine Unit, Massachusetts General Hospital
Classification: Pathogenic for Hypogonadotropic hypogonadism 2 with or without anosmia. Last evaluated: 2023-05-04. Review status: criteria provided, single submitter. Criteria: ACMG Guidelines, 2015. Collection method: research. Allele origin: unknown, inherited. Affected: yes. Observed: 2 variant alleles.
Comment: The variant NM_023110.2:c.1684G>T, p.(Glu562*) het has been classified as P1c based on the variant meeting the following ACMG Criteria: PVS1,PM2,PP3.

NM_023110.3(FGFR1):c.1684G>T (p.Glu562Ter)

Gene: FGFR1 (fibroblast growth factor receptor 1; minus strand). Cytogenetic location: 8p11.23.
Variant type: single nucleotide variant.
Coding change: c.1684G>T on transcript NM_023110.3 (MANE Select); coding-DNA position 1684, G replaced by T.
Protein change: p.Glu562Ter; replaces glutamic acid 562 with a stop codon.
Molecular consequence: nonsense.
Genome position (GRCh38, 1-based): chr8:38,416,040, C>A on the plus strand (G>T on the coding strand, the complement: FGFR1 is on the minus strand). VCF-style: chr8-38416040-C-A. GRCh37 (hg19) VCF-style: chr8-38273558-C-A.
Other names: c.1684G>T, p.Glu562Ter (NM_000604.2); c.1678G>T, p.Glu560Ter (NM_001174063.2, NM_001174065.2, NM_001354367.2 and 1 more transcripts); c.1654G>T, p.Glu552Ter (NM_001174064.2); c.1417G>T, p.Glu473Ter (NM_001174066.2, NM_023105.3); c.1777G>T, p.Glu593Ter (NM_001174067.2); c.1405G>T, p.Glu469Ter (NM_001354368.2); c.1672G>T, p.Glu558Ter (NM_001354369.2, NM_001410922.1); c.1411G>T, p.Glu471Ter (NM_001354370.2, NM_023106.3); short protein forms E469*, E471*, E473*, E552*, E558*, E560*, E562*, E593*.
Identifiers: ClinVar variation 2505394 (VCV002505394.1), dbSNP rs2150591547, ClinGen allele CA370731886.
Genomic context (GRCh38, chr8:38,416,040, plus strand): 5'-CCAGCCCTGGGGGCCTCCGGGCCTGCAGGTACTCCCGCAGGTTGCCCTTGGAGGCATACT[C>A]CACGATGACATACAAGGGACCTGCAGGCACAGGAGAAGAGGCCATGGGGCCAGCAGCAGG-3'